The following is an entry in ClinVar:

ClinVar aggregate classification (germline): Uncertain significance. Review status: criteria provided, multiple submitters, no conflicts (2 of 4 stars). 2 submissions from 2 submitters: Uncertain significance (2). Last evaluated 2022-11-28.

Allele frequency attached by ClinVar (database versions not stated): gnomAD 0.00002; TOPMed 0.00002.
gnomAD v4.1: 18 of 1,550,516 alleles (0.0012%); highest among the groups gnomAD compares: Admixed American, 0.002%; no homozygotes.

Submissions (2):

Labcorp Genetics (formerly Invitae), Labcorp
Classification: Uncertain significance. Last evaluated: 2022-11-28. Review status: criteria provided, single submitter. Criteria: Invitae Variant Classification Sherloc (09022015). Collection method: clinical testing. Allele origin: germline.
Comment: This sequence change replaces proline, which is neutral and non-polar, with histidine, which is basic and polar, at codon 1932 of the OTOG protein (p.Pro1932His). In summary, the available evidence is currently insufficient to determine the role of this variant in disease. Therefore, it has been classified as a Variant of Uncertain Significance. Algorithms developed to predict the effect of missense changes on protein structure and function are either unavailable or do not agree on the potential impact of this missense change (SIFT: "Deleterious"; PolyPhen-2: "Possibly Damaging"; Align-GVGD: "Class C15"). ClinVar contains an entry for this variant (Variation ID: 1309442). This variant has not been reported in the literature in individuals affected with OTOG-related conditions. This variant is not present in population databases (gnomAD no frequency).

GeneDx
Classification: Uncertain significance. Last evaluated: 2019-10-18. Review status: criteria provided, single submitter. Criteria: GeneDx Variant Classification Process June 2021. Collection method: clinical testing. Allele origin: germline. Affected: yes.
Comment: In silico analysis, which includes protein predictors and evolutionary conservation, supports that this variant does not alter protein structure/function; Has not been previously published as pathogenic or benign to our knowledge

NM_001292063.2(OTOG):c.5759C>A (p.Pro1920His)

Gene: OTOG (otogelin; plus strand). Cytogenetic location: 11p15.1.
Variant type: single nucleotide variant.
Coding change: c.5759C>A on transcript NM_001292063.2 (MANE Select); coding-DNA position 5759, C replaced by A.
Protein change: p.Pro1920His; replaces proline 1920 with histidine.
Molecular consequence: missense variant.
Genome position (GRCh38, 1-based): chr11:17,611,059, C>A. VCF-style: chr11-17611059-C-A. GRCh37 (hg19) VCF-style: chr11-17632606-C-A.
Other names: c.5795C>A, p.Pro1932His (NM_001277269.2); short protein forms P1920H, P1932H.
Identifiers: ClinVar variation 1309442 (VCV001309442.6), dbSNP rs1191107652, ClinGen allele CA379801527.
Genomic context (GRCh38, chr11:17,611,059, plus strand): 5'-TTGTCCCACGAAAGAGCACCACAGGGAAGGTGGCCATCCTATCCAAGCAAGTGTCTCTGC[C>A]CACTTCCATGTATGGTTCTGCAGAGGGTGGGCCCACAGAGCTCACGCCTGCTACGAGCCA-3'
Protein context (NP_001278992.1, residues 1910-1930): VAILSKQVSL[Pro1920His]TSMYGSAEGG